The following is an entry in ClinVar:

NM_003413.4(ZIC3):c.882C>G (p.Asn294Lys)

Gene: ZIC3 (Zic family zinc finger 3; plus strand). Cytogenetic location: Xq26.3.
Variant type: single nucleotide variant.
Coding change: c.882C>G on transcript NM_003413.4 (MANE Select); coding-DNA position 882, C replaced by G.
Protein change: p.Asn294Lys; replaces asparagine 294 with lysine.
Molecular consequence: missense variant.
Genome position (GRCh38, 1-based): chrX:137,567,573, C>G. VCF-style: chrX-137567573-C-G. GRCh37 (hg19) VCF-style: chrX-136649732-C-G.
Other names: c.882C>G, p.Asn294Lys (NM_001330661.1); short protein forms N294K.
Identifiers: ClinVar variation 570089 (VCV000570089.2), dbSNP rs1298851009, ClinGen allele CA414770910.

ClinVar aggregate classification (germline): Uncertain significance. Review status: criteria provided, multiple submitters, no conflicts (2 of 4 stars). 2 submissions from 2 submitters: Uncertain significance (2). Last evaluated 2018-05-11.

Conditions:
VACTERL association, X-linked, with or without hydrocephalus (VACTERLX). Also called: X-linked VACTERL-H syndrome; VACTERL ASSOCIATION, X-LINKED; VACTERL Association with Hydrocephalus, X-linked; VACTERL-H, X-LINKED. Identifiers: Orphanet 3412, MedGen C2931228, MONDO:0010752, OMIM 314390.
Heterotaxy, visceral, 1, X-linked (HTX1). Also called: SITUS INVERSUS, COMPLEX CARDIAC DEFECTS, AND SPLENIC DEFECTS, X-LINKED; Laterality, X-linked; Visceral heterotaxia; DEXTROCARDIA WITH OTHER CARDIAC MALFORMATIONS. Identifiers: Orphanet 450, MedGen C1844020, MONDO:0010607, OMIM 306955.

Allele frequency attached by ClinVar (database versions not stated): TOPMed below 0.00001.

Submissions (2):

Labcorp Genetics (formerly Invitae), Labcorp
Classification: Uncertain significance for Heterotaxy, visceral, X-linked. Last evaluated: 2018-05-11. Review status: criteria provided, single submitter. Criteria: Invitae Variant Classification Sherloc (09022015). Collection method: clinical testing. Allele origin: germline.
Comment: This sequence change replaces asparagine with lysine at codon 294 of the ZIC3 protein (p.Asn294Lys). The asparagine residue is highly conserved and there is a moderate physicochemical difference between asparagine and lysine. This variant is not present in population databases (ExAC no frequency). This variant has not been reported in the literature in individuals with ZIC3-related disease. Algorithms developed to predict the effect of missense changes on protein structure and function do not agree on the potential impact of this missense change (SIFT: "Deleterious"; PolyPhen-2: "Benign"; Align-GVGD: "Class C65"). In summary, the available evidence is currently insufficient to determine the role of this variant in disease. Therefore, it has been classified as a Variant of Uncertain Significance.

Juno Genomics, Hangzhou Juno Genomics, Inc
Classification: Uncertain significance for Heterotaxy, visceral, 1, X-linked; VACTERL association, X-linked, with or without hydrocephalus. Review status: criteria provided, single submitter. Criteria: ACMG Guidelines, 2015. Collection method: clinical testing. Allele origin: germline. Affected: yes.
Comment: Absent from controls (or at extremely low frequency if recessive) in Genome Aggregation Database.